The following is an entry in ClinVar:

NM_001165963.4(SCN1A):c.4900del (p.Leu1634fs)

Genes: SCN1A (sodium voltage-gated channel alpha subunit 1; minus strand), LOC102724058 (uncharacterized LOC102724058; plus strand). Cytogenetic location: 2q24.3.
Variant type: Deletion.
Coding change: c.4900del on transcript NM_001165963.4 (MANE Select); coding-DNA position 4900, one base deleted (C; older notation c.4900delC).
Protein change: p.Leu1634fs; shifts the reading frame from leucine 1634.
Molecular consequence: frameshift variant. On other transcripts: non-coding transcript variant (1).
Genome position (GRCh38, 1-based): chr2:165,992,375, G deleted on the plus strand (C on the coding strand, the reverse complement: SCN1A is on the minus strand); the first of 3 consecutive G bases (chr2:165,992,375-165,992,377); deleting any one gives the same sequence. VCF-style (leftmost placement, unchanged base first): chr2-165992374-AG-A. GRCh37 (hg19) VCF-style: chr2-166848884-AG-A.
Other names: c.4816del, p.Leu1606fs (NM_001165964.3, NM_001353957.2, NM_001353958.2); c.4900del, p.Leu1634fs (NM_001202435.3, NM_001353948.2); c.4867del, p.Leu1623fs (NM_001353949.2, NM_001353950.2, NM_001353951.2 and 2 more transcripts); c.4864del, p.Leu1622fs (NM_001353954.2, NM_001353955.2); c.4813del, p.Leu1605fs (NM_001353960.2); c.2458del, p.Leu820fs (NM_001353961.2); short protein forms L1605fs, L1606fs, L1622fs, L1623fs, L1634fs, L820fs.
Identifiers: ClinVar variation 4682473 (VCV004682473.1).

ClinVar aggregate classification (germline): Likely pathogenic (1 of 4 stars; one submission).

Submission:

Athena Diagnostics
Classification: Likely pathogenic. Last evaluated: 2025-05-28. Review status: criteria provided, single submitter. Criteria: Athena Diagnostics Criteria. Collection method: clinical testing. Allele origin: unknown.
Comment: This variant is expected to result in the loss of a functional protein. This variant has not been reported in large, multi-ethnic general populations. This variant has been identified in at least one individual with clinical features associated with Dravet syndrome. Computational tools yielded predictions that this variant is unlikely to have an effect on normal RNA splicing.

Literature cited by the submitters: PubMed 35418450.